The following is an entry in ClinVar:

ClinVar aggregate classification (germline): Uncertain significance (1 of 4 stars; one submission).

Submission:

Labcorp Genetics (formerly Invitae), Labcorp
Classification: Uncertain significance. Last evaluated: 2025-03-31. Review status: criteria provided, single submitter. Criteria: Invitae Variant Classification Sherloc (09022015). Collection method: clinical testing. Allele origin: germline.
Comment: This sequence change replaces glycine, which is neutral and non-polar, with tryptophan, which is neutral and slightly polar, at codon 2744 of the ADGRV1 protein (p.Gly2744Trp). Information on the frequency of this variant in the gnomAD database is not available, as this variant may be reported differently in the database. This variant has not been reported in the literature in individuals affected with ADGRV1-related conditions. ClinVar contains an entry for this variant (Variation ID: 1950353). Experimental studies and prediction algorithms are not available or were not evaluated, and the functional significance of this variant is currently unknown. In summary, the available evidence is currently insufficient to determine the role of this variant in disease. Therefore, it has been classified as a Variant of Uncertain Significance.

NM_032119.4(ADGRV1):c.8229_8230delinsAT (p.Gly2744Trp)

Gene: ADGRV1 (adhesion G protein-coupled receptor V1; plus strand). Cytogenetic location: 5q14.3.
Variant type: Indel.
Coding change: c.8229_8230delinsAT on transcript NM_032119.4 (MANE Select); coding-DNA positions 8229 to 8230, TG replaced by AT.
Protein change: p.Gly2744Trp; replaces glycine 2744 with tryptophan.
Molecular consequence: missense variant. On other transcripts: non-coding transcript variant (1).
Genome position (GRCh38, 1-based): chr5:90,703,738-90,703,739, TG replaced by AT. VCF-style: chr5-90703738-TG-AT. GRCh37 (hg19) VCF-style: chr5-89999555-TG-AT.
Other names: short protein forms G2744W.
Identifiers: ClinVar variation 1950353 (VCV001950353.3), dbSNP rs2531057879, ClinGen allele CA2580073782.